The following is an entry in ClinVar:

NM_006017.3(PROM1):c.178C>T (p.His60Tyr)

Gene: PROM1 (prominin 1; minus strand). Cytogenetic location: 4p15.32.
Variant type: single nucleotide variant.
Coding change: c.178C>T on transcript NM_006017.3 (MANE Select); coding-DNA position 178, C replaced by T.
Protein change: p.His60Tyr; replaces histidine 60 with tyrosine.
Molecular consequence: missense variant.
Genome position (GRCh38, 1-based): chr4:16,075,729, G>A on the plus strand (C>T on the coding strand, the complement: PROM1 is on the minus strand). VCF-style: chr4-16075729-G-A. GRCh37 (hg19) VCF-style: chr4-16077352-G-A.
Other names: c.178C>T, p.His60Tyr (NM_001145847.2, NM_001145848.2, NM_001145849.2 and 6 more transcripts); c.178C>T (NM_006017.2); short protein forms H60Y.
Identifiers: ClinVar variation 2797083 (VCV002797083.5), dbSNP rs750283536, ClinGen allele CA2867176.

ClinVar aggregate classification (germline): Uncertain significance. Review status: criteria provided, multiple submitters, no conflicts (2 of 4 stars). 3 submissions from 3 submitters: Uncertain significance (3). Last evaluated 2024-10-18.

Conditions:
PROM1-related disorder. Also called: PROM1-related condition; PROM1-related disorders.

Allele frequency attached by ClinVar (database versions not stated): TOPMed below 0.00001; gnomAD 0.00001; gnomAD exomes 0.00001; ExAC 0.00003.
gnomAD v4.1: 8 of 1,613,572 alleles (0.0005%); highest among the groups gnomAD compares: Non-Finnish European, 0.00068%; no homozygotes.

Submissions (3):

PreventionGenetics, part of Exact Sciences
Classification: Uncertain significance for PROM1-related condition. Last evaluated: 2024-10-18. Review status: criteria provided, single submitter. Criteria: ACMG Guidelines, 2015. Collection method: clinical testing. Allele origin: germline.
Comment: The PROM1 c.178C>T variant is predicted to result in the amino acid substitution p.His60Tyr. To our knowledge, this variant has not been reported in the literature. This variant is reported in 0.0027% of alleles in individuals of European (Non-Finnish) descent in gnomAD. At this time, the clinical significance of this variant is uncertain due to the absence of conclusive functional and genetic evidence.

Labcorp Genetics (formerly Invitae), Labcorp
Classification: Uncertain significance. Last evaluated: 2022-12-17. Review status: criteria provided, single submitter. Criteria: Invitae Variant Classification Sherloc (09022015). Collection method: clinical testing. Allele origin: germline.
Comment: Advanced modeling of protein sequence and biophysical properties (such as structural, functional, and spatial information, amino acid conservation, physicochemical variation, residue mobility, and thermodynamic stability) performed at Invitae indicates that this missense variant is expected to disrupt PROM1 protein function. In summary, the available evidence is currently insufficient to determine the role of this variant in disease. Therefore, it has been classified as a Variant of Uncertain Significance. This variant has not been reported in the literature in individuals affected with PROM1-related conditions. The frequency data for this variant in the population databases is considered unreliable, as metrics indicate poor data quality at this position in the gnomAD database. This sequence change replaces histidine, which is basic and polar, with tyrosine, which is neutral and polar, at codon 60 of the PROM1 protein (p.His60Tyr).

Blueprint Genetics
Classification: Uncertain significance. Last evaluated: 2022-09-28. Review status: criteria provided, single submitter. Criteria: ACMG Guidelines, 2015. Collection method: clinical testing. Allele origin: germline.